The following is an entry in ClinVar:

ClinVar aggregate classification (germline): Uncertain significance (1 of 4 stars; one submission).

gnomAD v4.1: 5 of 1,614,194 alleles (0.00031%); no homozygotes.

Submission:

GeneDx
Classification: Uncertain significance. Last evaluated: 2024-10-23. Review status: criteria provided, single submitter. Criteria: GeneDx Variant Classification Process June 2021. Collection method: clinical testing. Allele origin: germline. Affected: yes.
Comment: In silico analysis supports that this missense variant has a deleterious effect on protein structure/function; Has not been previously published as pathogenic or benign to our knowledge; Not observed at significant frequency in large population cohorts (gnomAD)

NM_004817.4(TJP2):c.3556C>G (p.Arg1186Gly)

Gene: TJP2 (tight junction protein 2; plus strand). Cytogenetic location: 9q21.11.
Variant type: single nucleotide variant.
Coding change: c.3556C>G on transcript NM_004817.4 (MANE Select); coding-DNA position 3556, C replaced by G.
Protein change: p.Arg1186Gly; replaces arginine 1186 with glycine.
Molecular consequence: missense variant.
Genome position (GRCh38, 1-based): chr9:69,254,357, C>G. VCF-style: chr9-69254357-C-G. GRCh37 (hg19) VCF-style: chr9-71869273-C-G.
Other names: c.3046C>G, p.Arg1016Gly (NM_001170414.2); c.3457C>G, p.Arg1153Gly (NM_001170415.1); c.3649C>G, p.Arg1217Gly (NM_001170416.2); c.3481C>G, p.Arg1161Gly (NM_001369870.1); c.3487C>G, p.Arg1163Gly (NM_001369871.1); c.3445C>G, p.Arg1149Gly (NM_001369872.1); c.3232C>G, p.Arg1078Gly (NM_001369873.1); c.3127C>G, p.Arg1043Gly (NM_001369874.1); and 2 more; short protein forms R1016G, R1039G, R1043G, R1078G, R1149G, R1153G, R1161G, R1163G.
Identifiers: ClinVar variation 1308216 (VCV001308216.3), dbSNP rs112109886, ClinGen allele CA373545237.